The following is an entry in ClinVar:

ClinVar aggregate classification (germline): Pathogenic (1 of 4 stars; one submission).

Conditions:
Retinitis pigmentosa 12 (RP12). Also called: RP WITH OR WITHOUT PPRPE; RP WITH OR WITHOUT PRESERVED PARAARTERIOLE RETINAL PIGMENT EPITHELIUM; RETINITIS PIGMENTOSA WITH OR WITHOUT PARAARTERIOLAR PRESERVATION OF RETINAL PIGMENT EPITHELIUM. Identifiers: Orphanet 791, MedGen C1838647, MONDO:0010818, OMIM 600105.
Leber congenital amaurosis 8 (LCA8). Identifiers: Orphanet 65, MedGen C3151202, MONDO:0013453, OMIM 613835.

Submission:

Labcorp Genetics (formerly Invitae), Labcorp
Classification: Pathogenic for Leber congenital amaurosis 8; Retinitis pigmentosa 12. Last evaluated: 2020-09-18. Review status: criteria provided, single submitter. Criteria: Invitae Variant Classification Sherloc (09022015). Collection method: clinical testing. Allele origin: germline.
Comment: For these reasons, this variant has been classified as Pathogenic. Loss-of-function variants in CRB1 are known to be pathogenic (PMID: 10508521, 22065545, 23379534, 25412400, 26957898, 28041643, 29391521). This variant has not been reported in the literature in individuals with CRB1-related conditions. This variant is not present in population databases (ExAC no frequency). This sequence change creates a premature translational stop signal (p.Arg981Asnfs*16) in the CRB1 gene. It is expected to result in an absent or disrupted protein product.

Literature cited by the submitters: PubMed 10508521; PubMed 22065545; PubMed 23379534; PubMed 25412400; PubMed 26957898; PubMed 28041643; PubMed 29391521.

NM_201253.3(CRB1):c.2942_2943del (p.Arg981fs)

Gene: CRB1 (crumbs cell polarity complex component 1; plus strand). Cytogenetic location: 1q31.3.
Variant type: Deletion.
Coding change: c.2942_2943del on transcript NM_201253.3 (MANE Select); coding-DNA positions 2942 to 2943, 2 bases deleted (GA; older notation c.2942_2943delGA).
Protein change: p.Arg981fs; shifts the reading frame from arginine 981.
Molecular consequence: frameshift variant. On other transcripts: non-coding transcript variant (2), intron variant (1).
Genome position (GRCh38, 1-based): chr1:197,434,805-197,434,806, GA deleted; deleting any 2 consecutive bases within chr1:197,434,804-197,434,806 gives the same sequence; the c. name uses the placement nearest the transcript's 3' end. VCF-style (leftmost placement, unchanged base first): chr1-197434803-CAG-C. GRCh37 (hg19) VCF-style: chr1-197403933-CAG-C.
Other names: c.2606_2607del, p.Arg869fs (NM_001193640.2); c.2870_2871del, p.Arg957fs (NM_001257965.2); c.2129-795_2129-794del (NM_001257966.2); short protein forms R869fs, R957fs, R981fs.
Identifiers: ClinVar variation 1068576 (VCV001068576.7), dbSNP rs1290879180, ClinGen allele CA729762531.